The following is an entry in ClinVar:

NM_001408.3(CELSR2):c.5444A>G (p.Tyr1815Cys)

Gene: CELSR2 (cadherin EGF LAG seven-pass G-type receptor 2; plus strand). Cytogenetic location: 1p13.3.
Variant type: single nucleotide variant.
Coding change: c.5444A>G on transcript NM_001408.3 (MANE Select); coding-DNA position 5444, A replaced by G.
Protein change: p.Tyr1815Cys; replaces tyrosine 1815 with cysteine.
Molecular consequence: missense variant.
Genome position (GRCh38, 1-based): chr1:109,264,608, A>G. VCF-style: chr1-109264608-A-G. GRCh37 (hg19) VCF-style: chr1-109807230-A-G.
Other names: short protein forms Y1815C.
Identifiers: ClinVar variation 1469877 (VCV001469877.6), dbSNP rs750814082, ClinGen allele CA341502407.

ClinVar aggregate classification (germline): Uncertain significance (1 of 4 stars; one submission).

gnomAD v4.1: 8 of 1,613,416 alleles (0.0005%); highest among the groups gnomAD compares: Non-Finnish European, 0.00068%; no homozygotes.

Submission:

Labcorp Genetics (formerly Invitae), Labcorp
Classification: Uncertain significance. Last evaluated: 2022-09-13. Review status: criteria provided, single submitter. Criteria: Invitae Variant Classification Sherloc (09022015). Collection method: clinical testing. Allele origin: germline.
Comment: In summary, the available evidence is currently insufficient to determine the role of this variant in disease. Therefore, it has been classified as a Variant of Uncertain Significance. Advanced modeling of protein sequence and biophysical properties (such as structural, functional, and spatial information, amino acid conservation, physicochemical variation, residue mobility, and thermodynamic stability) performed at Invitae indicates that this missense variant is expected to disrupt CELSR2 protein function. ClinVar contains an entry for this variant (Variation ID: 1469877). This variant has not been reported in the literature in individuals affected with CELSR2-related conditions. This variant is not present in population databases (gnomAD no frequency). This sequence change replaces tyrosine, which is neutral and polar, with cysteine, which is neutral and slightly polar, at codon 1815 of the CELSR2 protein (p.Tyr1815Cys).